The following is an entry in ClinVar:

ClinVar aggregate classification (germline): Uncertain significance (1 of 4 stars; one submission).

Allele frequency attached by ClinVar (database versions not stated): gnomAD exomes below 0.00001; TOPMed 0.00001.
gnomAD v4.1: 4 of 1,614,184 alleles (0.00025%); highest among the groups gnomAD compares: Non-Finnish European, 0.00034%; no homozygotes.

Submission:

Labcorp Genetics (formerly Invitae), Labcorp
Classification: Uncertain significance. Last evaluated: 2021-12-09. Review status: criteria provided, single submitter. Criteria: Invitae Variant Classification Sherloc (09022015). Collection method: clinical testing. Allele origin: germline.
Comment: This variant is not present in population databases (gnomAD no frequency). This sequence change replaces arginine, which is basic and polar, with glutamine, which is neutral and polar, at codon 232 of the NCSTN protein (p.Arg232Gln). This variant has not been reported in the literature in individuals affected with NCSTN-related conditions. In summary, the available evidence is currently insufficient to determine the role of this variant in disease. Therefore, it has been classified as a Variant of Uncertain Significance. Algorithms developed to predict the effect of sequence changes on RNA splicing suggest that this variant may create or strengthen a splice site. Algorithms developed to predict the effect of missense changes on protein structure and function are either unavailable or do not agree on the potential impact of this missense change (SIFT: "Deleterious"; PolyPhen-2: "Probably Damaging"; Align-GVGD: "Class C0").

NM_015331.3(NCSTN):c.695G>A (p.Arg232Gln)

Gene: NCSTN (nicastrin; plus strand). Cytogenetic location: 1q23.2.
Variant type: single nucleotide variant.
Coding change: c.695G>A on transcript NM_015331.3 (MANE Select); coding-DNA position 695, G replaced by A.
Protein change: p.Arg232Gln; replaces arginine 232 with glutamine.
Molecular consequence: missense variant. On other transcripts: intron variant (1).
Genome position (GRCh38, 1-based): chr1:160,351,334, G>A. VCF-style: chr1-160351334-G-A. GRCh37 (hg19) VCF-style: chr1-160321124-G-A.
Other names: c.635G>A, p.Arg212Gln (NM_001290184.2); c.695G>A, p.Arg232Gln (NM_001349729.2); c.582+1084G>A (NM_001290186.2); short protein forms R212Q, R232Q.
Identifiers: ClinVar variation 1404829 (VCV001404829.6), dbSNP rs773418303, ClinGen allele CA31538147.